The following is an entry in ClinVar:

NM_003105.6(SORL1):c.1112A>C (p.Asn371Thr)

Gene: SORL1 (sortilin related receptor 1; plus strand). Cytogenetic location: 11q24.1.
Variant type: single nucleotide variant.
Coding change: c.1112A>C on transcript NM_003105.6 (MANE Select); coding-DNA position 1112, A replaced by C.
Protein change: p.Asn371Thr; replaces asparagine 371 with threonine.
Molecular consequence: missense variant.
Genome position (GRCh38, 1-based): chr11:121,514,222, A>C. VCF-style: chr11-121514222-A-C. GRCh37 (hg19) VCF-style: chr11-121384931-A-C.
Other names: short protein forms N371T.
Identifiers: ClinVar variation 717155 (VCV000717155.35), dbSNP rs150609294, ClinGen allele CA6328553.

ClinVar aggregate classification (germline): Benign/Likely benign. Review status: criteria provided, multiple submitters, no conflicts (2 of 4 stars). 5 submissions from 5 submitters: Benign (1); Likely benign (3). 1 of the submissions does not count toward it. Last evaluated 2025-12-22.

Conditions:
SORL1-related disorder. Also called: SORL1-related condition.

Allele frequency attached by ClinVar (database versions not stated): 1000 Genomes Project 30x 0.00031; 1000 Genomes Project 0.00040; TOPMed 0.00092; ESP Exome Variant Server 0.00100; gnomAD exomes 0.00128; ExAC 0.00138; gnomAD 0.00207.
gnomAD v4.1: 2,188 of 1,614,172 alleles (0.14%); highest among the groups gnomAD compares: Non-Finnish European, 0.16%; 3 homozygotes.

Submissions (5):

Labcorp Genetics (formerly Invitae), Labcorp
Classification: Likely benign. Last evaluated: 2025-12-22. Review status: criteria provided, single submitter. Criteria: Invitae Variant Classification Sherloc (09022015). Collection method: clinical testing. Allele origin: germline.

CeGaT Center for Human Genetics Tuebingen
Classification: Benign. Last evaluated: 2024-12-01. Review status: criteria provided, single submitter. Criteria: CeGaT Center For Human Genetics Tuebingen Variant Classification Criteria Version 2. Collection method: clinical testing. Allele origin: germline. Affected: yes. Observed: 4 variant alleles.
Comment: SORL1: BS1, BS2

Blueprint Genetics
Classification: Likely benign. Last evaluated: 2024-11-26. Review status: criteria provided, single submitter. Criteria: ACMG Guidelines, 2015. Collection method: clinical testing. Allele origin: germline.

Breakthrough Genomics
Classification: Likely benign. Review status: criteria provided, single submitter. Criteria: ACMG Guidelines, 2015. Collection method: not provided. Allele origin: germline. Inheritance: Unknown mechanism. Affected: yes.

PreventionGenetics, part of Exact Sciences
Classification: Likely benign for SORL1-related condition. Last evaluated: 2023-12-19. Review status: no assertion criteria provided. Collection method: clinical testing. Allele origin: germline. Not counted in ClinVar's aggregate classification.
Comment: This variant is classified as likely benign based on ACMG/AMP sequence variant interpretation guidelines (Richards et al. 2015 PMID: 25741868, with internal and published modifications).